The following is an entry in ClinVar:

NM_001361.5(DHODH):c.8G>A (p.Trp3Ter)

Gene: DHODH (dihydroorotate dehydrogenase (quinone); plus strand). Cytogenetic location: 16q22.2.
Variant type: single nucleotide variant.
Coding change: c.8G>A on transcript NM_001361.5 (MANE Select); coding-DNA position 8, G replaced by A.
Protein change: p.Trp3Ter; replaces tryptophan 3 with a stop codon.
Molecular consequence: nonsense.
Genome position (GRCh38, 1-based): chr16:72,008,772, G>A. VCF-style: chr16-72008772-G-A. GRCh37 (hg19) VCF-style: chr16-72042671-G-A.
Other names: short protein forms W3*.
Identifiers: ClinVar variation 4845790 (VCV004845790.1).

ClinVar aggregate classification (germline): Likely pathogenic (1 of 4 stars; one submission).

Conditions:
Miller syndrome (POADS). Also called: Genee-Wiedemann acrofacial dysostosis; GENEE-WIEDEMANN SYNDROME. Identifiers: Orphanet 246, MedGen C0265257, MONDO:0009903, OMIM 263750.

Submission:

First Genomix Gene Laboratory, Genetic Diagnostics Department
Classification: Likely pathogenic for Miller syndrome. Last evaluated: 2025-03-18. Review status: criteria provided, single submitter. Criteria: ACMG Guidelines, 2015. Collection method: clinical testing. Allele origin: germline. Inheritance: Autosomal recessive inheritance. Affected: no. Observed: 1 variant allele.